The following is an entry in ClinVar:

ClinVar aggregate classification (germline): Uncertain significance (1 of 4 stars; one submission).

Conditions:
Congenital myotonia, autosomal recessive form. Also called: BECKER DISEASE; Becker Generalized Myotonia; myotonia congenita, autosomal recessive. Identifiers: Orphanet 614, MedGen C0751360, MONDO:0009715, OMIM 255700.
Congenital myotonia, autosomal dominant form (THD). Also called: THOMSEN DISEASE; Myotonia congenita autosomal dominant. Identifiers: Orphanet 614, MedGen C2936781, MONDO:0008055, OMIM 160800.

Allele frequency attached by ClinVar (database versions not stated): gnomAD exomes 0.00001.
gnomAD v4.1: 3 of 1,545,076 alleles (0.00019%); highest among the groups gnomAD compares: Admixed American, 0.0059%; no homozygotes.

Submission:

Labcorp Genetics (formerly Invitae), Labcorp
Classification: Uncertain significance for Congenital myotonia, autosomal recessive form; Congenital myotonia, autosomal dominant form. Last evaluated: 2022-03-26. Review status: criteria provided, single submitter. Criteria: Invitae Variant Classification Sherloc (09022015). Collection method: clinical testing. Allele origin: germline.
Comment: In summary, the available evidence is currently insufficient to determine the role of this variant in disease. Therefore, it has been classified as a Variant of Uncertain Significance. Experimental studies have shown that this missense change does not substantially affect CLCN1 function (PMID: 14724190). Advanced modeling of protein sequence and biophysical properties (such as structural, functional, and spatial information, amino acid conservation, physicochemical variation, residue mobility, and thermodynamic stability) performed at Invitae indicates that this missense variant is expected to disrupt CLCN1 protein function. This variant has not been reported in the literature in individuals affected with CLCN1-related conditions. This variant is present in population databases (no rsID available, gnomAD 0.004%). This sequence change replaces glutamic acid, which is acidic and polar, with lysine, which is basic and polar, at codon 656 of the CLCN1 protein (p.Glu656Lys).

Literature cited by the submitters: PubMed 14724190.

NM_000083.3(CLCN1):c.1966G>A (p.Glu656Lys)

Genes: CLCN1 (chloride voltage-gated channel 1; plus strand), LOC123956257 (Sharpr-MPRA regulatory region 4117; plus strand). Cytogenetic location: 7q34.
Variant type: single nucleotide variant.
Coding change: c.1966G>A on transcript NM_000083.3 (MANE Select); coding-DNA position 1966, G replaced by A.
Protein change: p.Glu656Lys; replaces glutamic acid 656 with lysine.
Molecular consequence: missense variant. On other transcripts: non-coding transcript variant (1).
Genome position (GRCh38, 1-based): chr7:143,345,556, G>A. VCF-style: chr7-143345556-G-A. GRCh37 (hg19) VCF-style: chr7-143042649-G-A.
Other names: short protein forms E656K.
Identifiers: ClinVar variation 1395064 (VCV001395064.6), dbSNP rs1224200077, ClinGen allele CA369649517.